The following is an entry in ClinVar:

NM_001134407.3(GRIN2A):c.4010C>T (p.Ser1337Leu)

Gene: GRIN2A (glutamate ionotropic receptor NMDA type subunit 2A; minus strand). Cytogenetic location: 16p13.2.
Variant type: single nucleotide variant.
Coding change: c.4010C>T on transcript NM_001134407.3 (MANE Select); coding-DNA position 4010, C replaced by T.
Protein change: p.Ser1337Leu; replaces serine 1337 with leucine.
Molecular consequence: missense variant. On other transcripts: intron variant (1).
Genome position (GRCh38, 1-based): chr16:9,763,534, G>A on the plus strand (C>T on the coding strand, the complement: GRIN2A is on the minus strand). VCF-style: chr16-9763534-G-A. GRCh37 (hg19) VCF-style: chr16-9857391-G-A.
Other names: c.4010C>T, p.Ser1337Leu (NM_000833.5); c.3773-106C>T (NM_001134408.2); c.4010C>T (NM_000833.4); short protein forms S1337L.
Identifiers: ClinVar variation 3710425 (VCV003710425.3).

ClinVar aggregate classification (germline): Uncertain significance. Review status: criteria provided, multiple submitters, no conflicts (2 of 4 stars). 2 submissions from 2 submitters: Uncertain significance (2). Last evaluated 2024-10-04.

Conditions:
GRIN2A-related complex neurodevelopmental disorder. Also called: GRIN2A-related condition; GRIN2A-related disorder. Identifiers: MedGen CN379781, MONDO:1060139.
Landau-Kleffner syndrome (FESD). Also called: EPILEPSY, FOCAL, WITH SPEECH DISORDER AND WITH OR WITHOUT MENTAL RETARDATION; APHASIA, ACQUIRED, WITH EPILEPSY. Identifiers: Orphanet 1945, Orphanet 725, Orphanet 98818, MedGen C0282512, MONDO:0009509, OMIM 245570.

Submissions (2):

PreventionGenetics, part of Exact Sciences
Classification: Uncertain significance for GRIN2A-related condition. Last evaluated: 2024-10-04. Review status: criteria provided, single submitter. Criteria: ACMG Guidelines, 2015. Collection method: clinical testing. Allele origin: germline.
Comment: The GRIN2A c.4010C>T variant is predicted to result in the amino acid substitution p.Ser1337Leu. To our knowledge, this variant has not been reported in the literature or in a large population database (gnomAD), indicating this variant is rare. At this time, the clinical significance of this variant is uncertain due to the absence of conclusive functional and genetic evidence.

Labcorp Genetics (formerly Invitae), Labcorp
Classification: Uncertain significance for Landau-Kleffner syndrome. Last evaluated: 2024-06-18. Review status: criteria provided, single submitter. Criteria: Invitae Variant Classification Sherloc (09022015). Collection method: clinical testing. Allele origin: germline.
Comment: This sequence change replaces serine, which is neutral and polar, with leucine, which is neutral and non-polar, at codon 1337 of the GRIN2A protein (p.Ser1337Leu). This variant is not present in population databases (gnomAD no frequency). This variant has not been reported in the literature in individuals affected with GRIN2A-related conditions. Advanced modeling of protein sequence and biophysical properties (such as structural, functional, and spatial information, amino acid conservation, physicochemical variation, residue mobility, and thermodynamic stability) performed at Invitae indicates that this missense variant is not expected to disrupt GRIN2A protein function with a negative predictive value of 95%. In summary, the available evidence is currently insufficient to determine the role of this variant in disease. Therefore, it has been classified as a Variant of Uncertain Significance.